The following is an entry in ClinVar:

NM_003177.7(SYK):c.328C>T (p.Pro110Ser)

Gene: SYK (spleen associated tyrosine kinase; plus strand). Cytogenetic location: 9q22.2.
Variant type: single nucleotide variant.
Coding change: c.328C>T on transcript NM_003177.7 (MANE Select); coding-DNA position 328, C replaced by T.
Protein change: p.Pro110Ser; replaces proline 110 with serine.
Molecular consequence: missense variant.
Genome position (GRCh38, 1-based): chr9:90,844,226, C>T. VCF-style: chr9-90844226-C-T. GRCh37 (hg19) VCF-style: chr9-93606508-C-T.
Other names: c.328C>T, p.Pro110Ser (NM_001135052.4, NM_001174167.3, NM_001174168.3); short protein forms P110S.
Identifiers: ClinVar variation 4848809 (VCV004848809.1).

ClinVar aggregate classification (germline): Likely benign (1 of 4 stars; one submission).

Submission:

Women's Health and Genetics/Laboratory Corporation of America, LabCorp
Classification: Likely benign. Last evaluated: 2026-04-07. Review status: criteria provided, single submitter. Criteria: LabCorp Variant Classification Summary - May 2015. Collection method: clinical testing. Allele origin: germline.
Comment: Variant summary: SYK c.328C>T (p.Pro110Ser) results in a non-conservative amino acid change in the encoded protein sequence. Algorithms developed to predict the effect of missense changes on protein structure and function are either unavailable or do not agree on the potential impact of this missense change. The variant allele was found at a frequency of 8e-05 in 250856 control chromosomes. The observed variant frequency exceeds the estimated maximal expected allele frequency for disease-causing variants in SYK. To our knowledge, no occurrence of c.328C>T in individuals affected with SYK-related conditions and no experimental evidence demonstrating its impact on protein function have been reported. No submitters have cited clinical-significance assessments for this variant to ClinVar. Based on the evidence outlined above, the variant was classified as likely benign.